The following is an entry in ClinVar:

ClinVar aggregate classification (germline): Likely benign. Review status: criteria provided, multiple submitters, no conflicts (2 of 4 stars). 3 submissions from 3 submitters: Likely benign (3). Last evaluated 2024-12-09.

Conditions:
CAVIN4-related disorder. Also called: CAVIN4-related condition.

Allele frequency attached by ClinVar (database versions not stated): ExAC 0.00004; gnomAD 0.00004; gnomAD exomes 0.00005 and 0.00012; TOPMed 0.00008.
gnomAD v4.1: 181 of 1,612,786 alleles (0.011%); highest among the groups gnomAD compares: Non-Finnish European, 0.014%; no homozygotes.

Submissions (3):

PreventionGenetics, part of Exact Sciences
Classification: Likely benign for CAVIN4-related condition. Last evaluated: 2024-12-09. Review status: criteria provided, single submitter. Criteria: ACMG Guidelines, 2015. Collection method: clinical testing. Allele origin: germline.
Comment: This variant is classified as likely benign based on ACMG/AMP sequence variant interpretation guidelines (Richards et al. 2015 PMID: 25741868, with internal and published modifications).

GeneDx
Classification: Likely benign. Last evaluated: 2017-10-05. Review status: criteria provided, single submitter. Criteria: GeneDx Variant Classification (06012015). Collection method: clinical testing. Allele origin: germline. Affected: yes.
Comment: This variant is considered likely benign or benign based on one or more of the following criteria: it is a conservative change, it occurs at a poorly conserved position in the protein, it is predicted to be benign by multiple in silico algorithms, and/or has population frequency not consistent with disease.

Laboratory for Molecular Medicine, Mass General Brigham Personalized Medicine
Classification: Likely benign. Last evaluated: 2015-12-03. Review status: criteria provided, single submitter. Criteria: LMM Criteria. Collection method: clinical testing. Allele origin: germline. Observed: 1 variant allele.
Comment: p.Glu313Glu in exon 2 of MURC: This variant is not expected to have clinical sig nificance because it does not alter an amino acid residue and is not located wit hin the splice consensus sequence. It has been identified in 5/66064 of European chromosomes by the Exome Aggregation Consortium (ExAC).

NM_001018116.2(CAVIN4):c.939G>A (p.Glu313=)

Gene: CAVIN4 (caveolae associated protein 4; plus strand). Cytogenetic location: 9q31.1.
Variant type: single nucleotide variant.
Coding change: c.939G>A on transcript NM_001018116.2 (MANE Select); coding-DNA position 939, G replaced by A.
Protein change: p.Glu313=; no amino-acid change (glutamic acid 313 retained).
Molecular consequence: synonymous variant.
Genome position (GRCh38, 1-based): chr9:100,586,295, G>A. VCF-style: chr9-100586295-G-A. GRCh37 (hg19) VCF-style: chr9-103348577-G-A.
Identifiers: ClinVar variation 227561 (VCV000227561.5), dbSNP rs778284038, ClinGen allele CA5160194.
Genomic context (GRCh38, chr9:100,586,295, plus strand): 5'-TGTGGACATCATTGCCAGGAGCGAGTCTCTGGGCCCCATCAGTGAGCTCTACTCTGATGA[G>A]CTCAGTGAACCAGAACACGAGGCAGCCAGGCCGGTGTATCCTCCCCATGAAGGAAGGGAA-3'
Protein context (NP_001018126.1, residues 303-323): LGPISELYSD[Glu313=]LSEPEHEAAR